The following is an entry in ClinVar:

NM_000176.3(NR3C1):c.1570A>G (p.Thr524Ala)

Gene: NR3C1 (nuclear receptor subfamily 3 group C member 1; minus strand). Cytogenetic location: 5q31.3.
Variant type: single nucleotide variant.
Coding change: c.1570A>G on transcript NM_000176.3 (MANE Select); coding-DNA position 1570, A replaced by G.
Protein change: p.Thr524Ala; replaces threonine 524 with alanine.
Molecular consequence: missense variant. On other transcripts: non-coding transcript variant (1).
Genome position (GRCh38, 1-based): chr5:143,300,662, T>C on the plus strand (A>G on the coding strand, the complement: NR3C1 is on the minus strand). VCF-style: chr5-143300662-T-C. GRCh37 (hg19) VCF-style: chr5-142680227-T-C.
Other names: c.1570A>G, p.Thr524Ala (NM_001018074.1, NM_001018075.1, NM_001018076.2 and 6 more transcripts); c.1573A>G, p.Thr525Ala (NM_001024094.2, NM_001364183.2, NM_001364184.2 and 1 more transcripts); c.1492A>G, p.Thr498Ala (NM_001204258.2); c.1315A>G, p.Thr439Ala (NM_001204259.2); c.1303A>G, p.Thr435Ala (NM_001204260.2); c.1279A>G, p.Thr427Ala (NM_001204261.2); c.625A>G, p.Thr209Ala (NM_001204262.2); c.580A>G, p.Thr194Ala (NM_001204263.2); and 1 more; short protein forms T194A, T524A, T209A, T435A, T498A, T189A, T427A, T439A.
Identifiers: ClinVar variation 736518 (VCV000736518.10), dbSNP rs567965061, ClinGen allele CA3486842.

ClinVar aggregate classification (germline): Benign/Likely benign. Review status: criteria provided, multiple submitters, no conflicts (2 of 4 stars). 2 submissions from 2 submitters: Benign (1); Likely benign (1). Last evaluated 2025-02-27.

Conditions:
Glucocorticoid resistance. Also called: Glucocorticoid resistance, generalized; Gccr deficiency; Glucocorticoid receptor deficiency; Cortisol resistance from glucocorticoid receptor defect; Gcr deficiency. Identifiers: Orphanet 786, MedGen C1841972, MONDO:0014421, OMIM 615962.

Allele frequency attached by ClinVar (database versions not stated): gnomAD 0.00001 and 0.00015; TOPMed 0.00006; gnomAD exomes 0.00033 and 0.00066; ExAC 0.00065; 1000 Genomes Project 30x 0.00125; 1000 Genomes Project 0.00140.
gnomAD v4.1: 508 of 1,614,208 alleles (0.031%); highest among the groups gnomAD compares: South Asian, 0.51%; 6 homozygotes.

Submissions (2):

Labcorp Genetics (formerly Invitae), Labcorp
Classification: Benign. Last evaluated: 2025-02-27. Review status: criteria provided, single submitter. Criteria: Invitae Variant Classification Sherloc (09022015). Collection method: clinical testing. Allele origin: germline.

Illumina Laboratory Services, Illumina
Classification: Likely benign for Glucocorticoid resistance. Last evaluated: 2018-01-13. Review status: criteria provided, single submitter. Criteria: ICSL Variant Classification Criteria 13 December 2019. Collection method: clinical testing. Allele origin: germline.
Comment: This variant was observed in the ICSL laboratory as part of a predisposition screen in an ostensibly healthy population. It had not been previously curated by ICSL or reported in the Human Gene Mutation Database (HGMD: prior to June 1st, 2018), and was therefore a candidate for classification through an automated scoring system. Utilizing variant allele frequency, disease prevalence and penetrance estimates, and inheritance mode, an automated score was calculated to assess if this variant is too frequent to cause the disease. Based on the score and internal cut-off values, a variant classified as likely benign is not then subjected to further curation. The score for this variant resulted in a classification of likely benign for this disease.